The following is an entry in ClinVar:

ClinVar aggregate classification (germline): not provided (0 of 4 stars; one submission).

Conditions:
Large for gestational age. Identifiers: MedGen C1848395, HP:0001520.

Submission:

Institute of Molecular and Cell Biology, University of Tartu
No classification provided. Condition: Large for gestational age. Review status: no classification provided. Collection method: case-control. Allele origin: unknown. Affected: yes. Study: Kasak2014.
Comment: The study aimed to determine the contribution of copy number variants in the genetic etiology of normal and complicated pregnancies. The samples represented (i) maternal blood DNA drawn from healthy pregnant women during 1st or 2nd trimester and (ii) maternal and paternal blood DNA drawn at term pregnancy cases representing normal and complicated gestations (severe preeclampsia, PE; gestational diabetes, GD; small-for-gestational age newborn, SGA; large-for-gestational age newborn, LGA). We performed CNV calling based on genome-wide genotyping dataset (Illumina HumanOmniExpress-24-v1 BeadChip) by applying three algorithms, QuantiSNP, GADA (Genome Alteration Detection Algorithm) and CNstream in parallel. The acquired CNV calls were merged with HD-CNV (Hotspot Detector for Copy Number Variants) program and only the CNVs predicted by at least two programs, were considered in subsequent analysis.

Literature cited by the submitters: PubMed 25666259.

NM_002737.2(PRKCA):c.206-81404_206-10168del

Genes: PRKCA (protein kinase C alpha; plus strand), PRKCA-AS1 (PRKCA antisense RNA 1; minus strand), LOC125316774 (Sharpr-MPRA regulatory region 4299; plus strand), LOC125316775 (Sharpr-MPRA regulatory region 12581; plus strand), LOC129390915 (MPRA-validated peak2944 silencer; plus strand) and 2 more. Cytogenetic location: 17q24.2.
Variant type: Deletion.
Coding change: c.206-81404_206-10168del on transcript NM_002737.2; 81404 bases into the intron before coding-DNA position 206 through 10168 bases into the intron before coding-DNA position 206, this stretch deleted.
Identifiers: ClinVar variation 157401 (VCV000157401.2).